The following is an entry in ClinVar:

NC_000008.10:g.(?_100790890)_(100836226_?)dup

Gene: VPS13B (vacuolar protein sorting 13 homolog B; plus strand). Cytogenetic location: 8q22.2.
Variant type: Duplication.
Identifiers: ClinVar variation 3245475 (VCV003245475.1).

ClinVar aggregate classification (germline): Likely pathogenic (1 of 4 stars; one submission).

Conditions:
Cohen syndrome (COH1). Also called: Cutis verticis gyrata, retinitis pigmentosa, and sensorineural deafness; PEPPER SYNDROME. Identifiers: Orphanet 193, MedGen C0265223, MONDO:0008999, OMIM 216550.

Submission:

Labcorp Genetics (formerly Invitae), Labcorp
Classification: Likely pathogenic for Cohen syndrome. Last evaluated: 2022-07-22. Review status: criteria provided, single submitter. Criteria: Invitae Variant Classification Sherloc (09022015). Collection method: clinical testing. Allele origin: unknown.
Comment: This variant results in a copy number gain of the genomic region encompassing exon(s) 42-51 of the VPS13B gene. While the exact position of this variant cannot be determined from the data, sub-genic copy number gains are generally in tandem (PMID: 25640679). This variant is predicted to be out-of-frame, and may result in an absent or disrupted protein product. Loss-of-function variants in VPS13B are known to be pathogenic (PMID: 15141358, 16648375, 20461111). This variant has not been reported in the literature in individuals affected with VPS13B-related conditions. In summary, the currently available evidence indicates that the variant is pathogenic, but additional data are needed to prove that conclusively. Therefore, this variant has been classified as Likely Pathogenic.

Literature cited by the submitters: PubMed 25640679; PubMed 15141358; PubMed 16648375; PubMed 20461111.